The following is an entry in ClinVar:

ClinVar aggregate classification (germline): Benign (0 of 4 stars; one submission).

Conditions:
MDN1-related disorder. Also called: MDN1-related condition.

Allele frequency attached by ClinVar (database versions not stated): 1000 Genomes Project 0.00599; 1000 Genomes Project 30x 0.00625; TOPMed 0.00791; gnomAD 0.00818; ExAC 0.01019; ESP Exome Variant Server 0.01084; gnomAD exomes 0.01222.
gnomAD v4.1: 19,057 of 1,614,226 alleles (1.2%); highest among the groups gnomAD compares: South Asian, 1.9%; 172 homozygotes.

Submissions (12):

PreventionGenetics, part of Exact Sciences
Classification: Benign for MDN1-related condition. Last evaluated: 2020-02-19. Review status: no assertion criteria provided. Collection method: clinical testing. Allele origin: germline.
Comment: This variant is classified as benign based on ACMG/AMP sequence variant interpretation guidelines (Richards et al. 2015 PMID: 25741868, with internal and published modifications).

Dr. Peter K. Rogan Lab, Western University
No classification provided (evidence only). Condition: Clear cell carcinoma of kidney. Review status: no classification provided. Collection method: in vitro. Allele origin: not applicable. Functional consequence: retained intron. Not counted in ClinVar's aggregate classification.

Dr. Peter K. Rogan Lab, Western University
No classification provided (evidence only). Condition: Clear cell carcinoma of kidney. Review status: no classification provided. Collection method: in vitro. Allele origin: not applicable. Functional consequence: retained intron. Not counted in ClinVar's aggregate classification.

Dr. Peter K. Rogan Lab, Western University
No classification provided (evidence only). Condition: Clear cell carcinoma of kidney. Review status: no classification provided. Collection method: in vitro. Allele origin: not applicable. Functional consequence: retained intron. Not counted in ClinVar's aggregate classification.

Dr. Peter K. Rogan Lab, Western University
No classification provided (evidence only). Condition: Lung cancer. Review status: no classification provided. Collection method: in vitro. Allele origin: not applicable. Functional consequence: retained intron. Not counted in ClinVar's aggregate classification.

Dr. Peter K. Rogan Lab, Western University
No classification provided (evidence only). Condition: Lung cancer. Review status: no classification provided. Collection method: in vitro. Allele origin: not applicable. Functional consequence: retained intron. Not counted in ClinVar's aggregate classification.

Dr. Peter K. Rogan Lab, Western University
No classification provided (evidence only). Condition: Cervical cancer. Review status: no classification provided. Collection method: in vitro. Allele origin: not applicable. Functional consequence: retained intron. Not counted in ClinVar's aggregate classification.

Dr. Peter K. Rogan Lab, Western University
No classification provided (evidence only). Condition: Thymoma. Review status: no classification provided. Collection method: in vitro. Allele origin: not applicable. Functional consequence: retained intron. Not counted in ClinVar's aggregate classification.

Dr. Peter K. Rogan Lab, Western University
No classification provided (evidence only). Condition: Thymoma. Review status: no classification provided. Collection method: in vitro. Allele origin: not applicable. Functional consequence: retained intron. Not counted in ClinVar's aggregate classification.

Dr. Peter K. Rogan Lab, Western University
No classification provided (evidence only). Condition: Ovarian serous cystadenocarcinoma. Review status: no classification provided. Collection method: in vitro. Allele origin: not applicable. Functional consequence: retained intron. Not counted in ClinVar's aggregate classification.

Dr. Peter K. Rogan Lab, Western University
No classification provided (evidence only). Condition: Uterine carcinosarcoma. Review status: no classification provided. Collection method: in vitro. Allele origin: not applicable. Functional consequence: retained intron. Not counted in ClinVar's aggregate classification.

Dr. Peter K. Rogan Lab, Western University
No classification provided (evidence only). Condition: Malignant tumor of esophagus. Review status: no classification provided. Collection method: in vitro. Allele origin: not applicable. Functional consequence: retained intron. Not counted in ClinVar's aggregate classification.

NM_014611.3(MDN1):c.14648A>G (p.Asp4883Gly)

Genes: MDN1 (midasin AAA ATPase 1; minus strand), MDN1-AS1 (MDN1 antisense RNA 1; plus strand). Cytogenetic location: 6q15.
Variant type: single nucleotide variant.
Coding change: c.14648A>G on transcript NM_014611.3 (MANE Select); coding-DNA position 14648, A replaced by G.
Protein change: p.Asp4883Gly; replaces aspartic acid 4883 with glycine.
Molecular consequence: missense variant.
Genome position (GRCh38, 1-based): chr6:89,661,496, T>C on the plus strand (A>G on the coding strand, the complement: MDN1 is on the minus strand). VCF-style: chr6-89661496-T-C. GRCh37 (hg19) VCF-style: chr6-90371215-T-C.
Other names: NC_000006.11:g.90371215T>C; short protein forms D4883G.
Identifiers: ClinVar variation 3038183 (VCV003038183.3), dbSNP rs114646660, ClinGen allele CA3922483.